The following is an entry in ClinVar:

ClinVar aggregate classification (germline): Uncertain significance (1 of 4 stars; one submission).

Allele frequency attached by ClinVar (database versions not stated): gnomAD exomes below 0.00001.
gnomAD v4.1: 4 of 1,612,744 alleles (0.00025%); highest among the groups gnomAD compares: South Asian, 0.0044%; no homozygotes.

Submission:

GeneDx
Classification: Uncertain significance. Last evaluated: 2023-01-10. Review status: criteria provided, single submitter. Criteria: GeneDx Variant Classification Process June 2021. Collection method: clinical testing. Allele origin: germline. Affected: yes.
Comment: Not observed at significant frequency in large population cohorts (gnomAD); In silico analysis supports that this missense variant does not alter protein structure/function; Has not been previously published as pathogenic or benign to our knowledge

NM_000815.5(GABRD):c.1085T>A (p.Leu362His)

Gene: GABRD (gamma-aminobutyric acid type A receptor subunit delta; plus strand). Cytogenetic location: 1p36.33.
Variant type: single nucleotide variant.
Coding change: c.1085T>A on transcript NM_000815.5 (MANE Select); coding-DNA position 1085, T replaced by A.
Protein change: p.Leu362His; replaces leucine 362 with histidine.
Molecular consequence: missense variant.
Genome position (GRCh38, 1-based): chr1:2,030,008, T>A. VCF-style: chr1-2030008-T-A. GRCh37 (hg19) VCF-style: chr1-1961447-T-A.
Other names: short protein forms L362H.
Identifiers: ClinVar variation 2571985 (VCV002571985.1), dbSNP rs2525647512, ClinGen allele CA337960424.